The following is an entry in ClinVar:

NM_005228.5(EGFR):c.2185-3T>C

Gene: EGFR (epidermal growth factor receptor; plus strand). Cytogenetic location: 7p11.2.
Variant type: single nucleotide variant.
Coding change: c.2185-3T>C on transcript NM_005228.5 (MANE Select); 3 bases into the intron before coding-DNA position 2185, T replaced by C.
Molecular consequence: intron variant.
Genome position (GRCh38, 1-based): chr7:55,174,719, T>C. VCF-style: chr7-55174719-T-C. GRCh37 (hg19) VCF-style: chr7-55242412-T-C.
Other names: c.2050-3T>C (NM_001346899.2, NM_001346897.2); c.1384-3T>C (NM_001346941.2); c.2185-3T>C (NM_001346898.2, NM_005228.3); c.2026-3T>C (NM_001346900.2).
Identifiers: ClinVar variation 1006525 (VCV001006525.9), dbSNP rs930997590, ClinGen allele CA158932433.
Genomic context (GRCh38, chr7:55,174,719, plus strand): 5'-TGGGCAGCATGTGGCACCATCTCACAATTGCCAGTTAACGTCTTCCTTCTCTCTCTGTCA[T>C]AGGGACTCTGGATCCCAGAAGGTGAGAAAGTTAAAATTCCCGTCGCTATCAAGGAATTAA-3'

ClinVar aggregate classification (germline): Conflicting classifications of pathogenicity. Review status: criteria provided, conflicting classifications (1 of 4 stars). 4 submissions from 4 submitters: Uncertain significance (2); Likely benign (2). Last evaluated 2025-10-27.

Conditions:
Lung cancer. Also called: Lung cancer, somatic; Malignant tumor of lung. Identifiers: MedGen C0242379, MONDO:0008903, OMIM 211980.
Hereditary cancer-predisposing syndrome. Also called: Hereditary Cancer Syndrome; Hereditary neoplastic syndrome; Tumor predisposition; Neoplastic Syndromes, Hereditary. Identifiers: Orphanet 140162, MedGen C0027672, MeSH D009386, MONDO:0015356.
EGFR-related lung cancer (EGFR). Identifiers: MedGen CN130014.

Allele frequency attached by ClinVar (database versions not stated): gnomAD exomes 0.00001; TOPMed 0.00002; gnomAD 0.00003.
gnomAD v4.1: 14 of 1,612,028 alleles (0.00087%); highest among the groups gnomAD compares: African/African-American, 0.004%; no homozygotes.

Submissions (4):

Labcorp Genetics (formerly Invitae), Labcorp
Classification: Uncertain significance for EGFR-related lung cancer. Last evaluated: 2025-10-27. Review status: criteria provided, single submitter. Criteria: Invitae Variant Classification Sherloc (09022015). Collection method: clinical testing. Allele origin: germline.
Comment: This sequence change falls in intron 18 of the EGFR gene. It does not directly change the encoded amino acid sequence of the EGFR protein. It affects a nucleotide within the consensus splice site. This variant is present in population databases (no rsID available, gnomAD 0.006%). This variant has not been reported in the literature in individuals affected with EGFR-related conditions. ClinVar contains an entry for this variant (Variation ID: 1006525). Variants that disrupt the consensus splice site are a relatively common cause of aberrant splicing (PMID: 17576681, 9536098). Algorithms developed to predict the effect of sequence changes on RNA splicing suggest that this variant is not likely to affect RNA splicing. In summary, the available evidence is currently insufficient to determine the role of this variant in disease. Therefore, it has been classified as a Variant of Uncertain Significance.

Ambry Genetics
Classification: Uncertain significance for Hereditary cancer-predisposing syndrome. Last evaluated: 2025-03-05. Review status: criteria provided, single submitter. Criteria: Ambry Variant Classification Scheme 2023. Collection method: clinical testing. Allele origin: germline.
Comment: The c.2185-3T>C intronic variant results from a T to C substitution 3 nucleotides upstream from coding exon 19 in the EGFR gene. This nucleotide position is not well conserved in available vertebrate species. In silico splice site analysis predicts that this alteration will not have any significant effect on splicing. Based on the available evidence, the clinical significance of this variant remains unclear.

Myriad Genetics, Inc.
Classification: Likely benign for Lung cancer. Last evaluated: 2024-10-16. Review status: criteria provided, single submitter. Criteria: Myriad Autosomal Dominant, Autosomal Recessive and X-Linked Classification Criteria (2023). Collection method: clinical testing. Allele origin: unknown.
Comment: This variant is considered likely benign. This variant is intronic and is not expected to impact mRNA splicing.

Blueprint Genetics
Classification: Likely benign. Last evaluated: 2024-07-01. Review status: criteria provided, single submitter. Criteria: ACMG Guidelines, 2015. Collection method: clinical testing. Allele origin: germline.

Literature cited by the submitters: PubMed 17576681 (cited by Labcorp Genetics (formerly Invitae), Labcorp); PubMed 9536098 (cited by Labcorp Genetics (formerly Invitae), Labcorp).